The following is an entry in ClinVar:

NM_000368.5(TSC1):c.2569del (p.Glu857fs)

Gene: TSC1 (TSC complex subunit 1; minus strand). Cytogenetic location: 9q34.13.
Variant type: Deletion.
Coding change: c.2569del on transcript NM_000368.5 (MANE Select); coding-DNA position 2569, one base deleted (G; older notation c.2569delG).
Protein change: p.Glu857fs; shifts the reading frame from glutamic acid 857.
Molecular consequence: frameshift variant.
Genome position (GRCh38, 1-based): chr9:132,900,771, C deleted on the plus strand (G on the coding strand, the reverse complement: TSC1 is on the minus strand); the first of 4 consecutive C bases (chr9:132,900,771-132,900,774); deleting any one gives the same sequence. VCF-style (leftmost placement, unchanged base first): chr9-132900770-TC-T. GRCh37 (hg19) VCF-style: chr9-135776157-TC-T.
Other names: c.2569delG (NM_000368.4); c.2566del, p.Glu856fs (NM_001162426.2); c.2416del, p.Glu806fs (NM_001162427.2); c.2206del, p.Glu736fs (NM_001362177.2); short protein forms E806fs, E736fs, E856fs.
Identifiers: ClinVar variation 48977 (VCV000048977.1), dbSNP rs118203712, ClinGen allele CA006664.

ClinVar aggregate classification (germline): Pathogenic. Review status: criteria provided, single submitter (1 of 4 stars). 2 submissions from 2 submitters: Pathogenic (1). 1 of the submissions does not count toward it. Last evaluated 2014-10-17.

Conditions:
Tuberous sclerosis syndrome (TSC). Also called: Tuberous Sclerosis Complex; Tuberous sclerosis. Identifiers: Orphanet 805, MedGen C0041341, MONDO:0001734.

Submissions (2):

GeneDx
Classification: Pathogenic. Last evaluated: 2014-10-17. Review status: criteria provided, single submitter. Criteria: GeneDx Variant Classification (06012015). Collection method: clinical testing. Allele origin: germline. Affected: yes.
Comment: c.2569delG: p.Glu857ArgfsX21 (E857RfsX21) in exon 20 of the TSC1 gene (NM_000368.4). The normal sequence with the base that is deleted in braces is: TGGG{G}AGGT. The c.2569delG mutation in the TSC1 gene has been reported previously in association with TSC (van Slegtenhorst et al., 1999; Sancak et al., 2005). The deletion causes a frameshift starting with codon Glutamic acid 857, changes this amino acid to an Arginine residue and creates a premature Stop codon at position 21 of the new reading frame, denoted p.Glu857ArgfsX21. This mutation is predicted to cause loss of normal protein function either through protein truncation or nonsense-mediated mRNA decay. Other frameshift mutations, including one caused by a duplication at the same position (c.2569dupG), have been reported in association with TSC (Dabora et al., 2001). This result is consistent with a diagnosis of tuberous sclerosis complex. The variant is found in INFANT-EPI panel(s).

Tuberous sclerosis database (TSC1)
No classification provided. Condition: TSC. Review status: no classification provided. Criteria: Tuberous Sclerosis Database Assertion Criteria 2015. Collection method: curation. Allele origin: germline. Affected: yes. Not counted in ClinVar's aggregate classification.